The following is an entry in ClinVar:

ClinVar aggregate classification (germline): Uncertain significance (1 of 4 stars; one submission).

Submission:

Labcorp Genetics (formerly Invitae), Labcorp
Classification: Uncertain significance. Last evaluated: 2024-07-20. Review status: criteria provided, single submitter. Criteria: Invitae Variant Classification Sherloc (09022015). Collection method: clinical testing. Allele origin: germline.
Comment: This sequence change replaces glutamine, which is neutral and polar, with glutamic acid, which is acidic and polar, at codon 1038 of the FN1 protein (p.Gln1038Glu). This variant is not present in population databases (gnomAD no frequency). This variant has not been reported in the literature in individuals affected with FN1-related conditions. Advanced modeling of protein sequence and biophysical properties (such as structural, functional, and spatial information, amino acid conservation, physicochemical variation, residue mobility, and thermodynamic stability) performed at Invitae indicates that this missense variant is not expected to disrupt FN1 protein function with a negative predictive value of 80%. In summary, the available evidence is currently insufficient to determine the role of this variant in disease. Therefore, it has been classified as a Variant of Uncertain Significance.

NM_212482.4(FN1):c.3112C>G (p.Gln1038Glu)

Gene: FN1 (fibronectin 1; minus strand). Cytogenetic location: 2q35.
Variant type: single nucleotide variant.
Coding change: c.3112C>G on transcript NM_212482.4 (MANE Select); coding-DNA position 3112, C replaced by G.
Protein change: p.Gln1038Glu; replaces glutamine 1038 with glutamic acid.
Molecular consequence: missense variant.
Genome position (GRCh38, 1-based): chr2:215,404,530, G>C on the plus strand (C>G on the coding strand, the complement: FN1 is on the minus strand). VCF-style: chr2-215404530-G-C. GRCh37 (hg19) VCF-style: chr2-216269253-G-C.
Other names: c.3112C>G, p.Gln1038Glu (NM_001306129.2, NM_001306130.2, NM_002026.4 and 13 more transcripts); short protein forms Q1038E.
Identifiers: ClinVar variation 3654687 (VCV003654687.2).
Genomic context (GRCh38, chr2:215,404,530, plus strand): 5'-GCTGCAGATTCCTCAGTGGGTACTTGGAGACAGAGGGACCCACATTGTACTGCCTGGGCT[G>C]TCCTCTTCGGGTAAGGCCCACGGTCAGTCGGTATCCTGTTATCTGGGCCCGAGGTGGAGT-3'
Protein context (NP_997647.2, residues 1028-1048): RLTVGLTRRG[Gln1038Glu]PRQYNVGPSV